The following is an entry in ClinVar:

ClinVar aggregate classification (germline): Uncertain significance (1 of 4 stars; one submission).

Allele frequency attached by ClinVar (database versions not stated): TOPMed 0.00001; gnomAD exomes 0.00002.
gnomAD v4.1: 13 of 1,535,612 alleles (0.00085%); highest among the groups gnomAD compares: Non-Finnish European, 0.0011%; no homozygotes.

Submission:

Labcorp Genetics (formerly Invitae), Labcorp
Classification: Uncertain significance. Last evaluated: 2022-05-28. Review status: criteria provided, single submitter. Criteria: Invitae Variant Classification Sherloc (09022015). Collection method: clinical testing. Allele origin: germline.
Comment: This variant has not been reported in the literature in individuals affected with C2CD3-related conditions. In summary, the available evidence is currently insufficient to determine the role of this variant in disease. Therefore, it has been classified as a Variant of Uncertain Significance. Experimental studies and prediction algorithms are not available or were not evaluated, and the functional significance of this variant is currently unknown. This variant is not present in population databases (gnomAD no frequency). This sequence change replaces aspartic acid, which is acidic and polar, with glutamic acid, which is acidic and polar, at codon 1968 of the C2CD3 protein (p.Asp1968Glu). The C2CD3 gene has multiple clinically relevant transcripts. This variant occurs in alternate transcript NM_001286577.1, and corresponds to NM_015531.5:c.*342T>G in the primary transcript.

NM_001286577.2(C2CD3):c.5904T>G (p.Asp1968Glu)

Gene: C2CD3 (C2 domain containing 3 centriole elongation regulator; minus strand). Cytogenetic location: 11q13.4.
Variant type: single nucleotide variant.
Coding change: c.5904T>G on transcript NM_001286577.2 (MANE Select); coding-DNA position 5904, T replaced by G.
Protein change: p.Asp1968Glu; replaces aspartic acid 1968 with glutamic acid.
Molecular consequence: missense variant.
Genome position (GRCh38, 1-based): chr11:74,034,256, A>C on the plus strand (T>G on the coding strand, the complement: C2CD3 is on the minus strand). VCF-style: chr11-74034256-A-C. GRCh37 (hg19) VCF-style: chr11-73745301-A-C.
Other names: short protein forms D1968E.
Identifiers: ClinVar variation 1930515 (VCV001930515.3), dbSNP rs773654473, ClinGen allele CA6181731.